The following is an entry in ClinVar:

ClinVar aggregate classification (germline): Uncertain significance (1 of 4 stars; one submission).

Conditions:
Ehlers-Danlos syndrome, kyphoscoliotic type 1 (EDSKSCL1). Also called: EHLERS-DANLOS SYNDROME, OCULAR-SCOLIOTIC TYPE; PLOD1-Related Kyphoscoliotic Ehlers-Danlos Syndrome; Ehlers-Danlos syndrome, hydroxylysine-deficient; EHLERS-DANLOS SYNDROME, TYPE VIA. Identifiers: Orphanet 1900, MedGen C0268342, MONDO:0016002, OMIM 225400. Disease mechanism: loss of function.

Submission:

Labcorp Genetics (formerly Invitae), Labcorp
Classification: Uncertain significance for Ehlers-Danlos syndrome, kyphoscoliotic type 1. Last evaluated: 2021-10-23. Review status: criteria provided, single submitter. Criteria: Invitae Variant Classification Sherloc (09022015). Collection method: clinical testing. Allele origin: germline.
Comment: This variant is not present in population databases (gnomAD no frequency). This sequence change falls in intron 3 of the PLOD1 gene. It does not directly change the encoded amino acid sequence of the PLOD1 protein. It affects a nucleotide within the consensus splice site. This variant has not been reported in the literature in individuals affected with PLOD1-related conditions. Variants that disrupt the consensus splice site are a relatively common cause of aberrant splicing (PMID: 17576681, 9536098). Algorithms developed to predict the effect of sequence changes on RNA splicing suggest that this variant may disrupt the consensus splice site. In summary, the available evidence is currently insufficient to determine the role of this variant in disease. Therefore, it has been classified as a Variant of Uncertain Significance.

Literature cited by the submitters: PubMed 17576681; PubMed 9536098.

NM_000302.4(PLOD1):c.302+3_302+6del

Gene: PLOD1 (procollagen-lysine,2-oxoglutarate 5-dioxygenase 1; plus strand). Cytogenetic location: 1p36.22.
Variant type: Microsatellite.
Coding change: c.302+3_302+6del on transcript NM_000302.4 (MANE Select); bases 3 to 6 of the intron after coding-DNA position 302, 4 bases deleted (AGGT; older notation c.302+3_302+6delAGGT).
Molecular consequence: splice donor variant.
Genome position (GRCh38, 1-based): chr1:11,949,909-11,949,912, AGGT deleted; deleting any 4 consecutive bases within chr1:11,949,905-11,949,912 gives the same sequence; the c. name uses the placement nearest the transcript's 3' end. VCF-style (leftmost placement, unchanged base first): chr1-11949904-CAGGT-C. GRCh37 (hg19) VCF-style: chr1-12009961-CAGGT-C.
Other names: c.443+3_443+6del (NM_001316320.2).
Identifiers: ClinVar variation 1346612 (VCV001346612.6), dbSNP rs2100743549, ClinGen allele CA2580611406.